The following is an entry in ClinVar:

ClinVar aggregate classification (germline): Uncertain significance. Review status: criteria provided, multiple submitters, no conflicts (2 of 4 stars). 3 submissions from 3 submitters: Uncertain significance (3). Last evaluated 2025-07-02.

Conditions:
Hereditary cancer-predisposing syndrome. Also called: Neoplastic Syndromes, Hereditary; Tumor predisposition; Hereditary Cancer Syndrome; Hereditary neoplastic syndrome. Identifiers: Orphanet 140162, MedGen C0027672, MeSH D009386, MONDO:0015356.
Familial adenomatous polyposis 1 (FAP1). Also called: FAMILIAL ADENOMATOUS POLYPOSIS 1, ATTENUATED; POLYPOSIS, ADENOMATOUS INTESTINAL. Identifiers: MedGen C2713442, MONDO:0021056, OMIM 175100. Disease mechanism: loss of function.

Submissions (3):

Labcorp Genetics (formerly Invitae), Labcorp
Classification: Uncertain significance for Familial adenomatous polyposis 1. Last evaluated: 2025-07-02. Review status: criteria provided, single submitter. Criteria: Invitae Variant Classification Sherloc (09022015). Collection method: clinical testing. Allele origin: germline.
Comment: This sequence change replaces glycine, which is neutral and non-polar, with arginine, which is basic and polar, at codon 2545 of the APC protein (p.Gly2545Arg). This variant is not present in population databases (gnomAD no frequency). This variant has not been reported in the literature in individuals affected with APC-related conditions. ClinVar contains an entry for this variant (Variation ID: 924804). Invitae Evidence Modeling of protein sequence and biophysical properties (such as structural, functional, and spatial information, amino acid conservation, physicochemical variation, residue mobility, and thermodynamic stability) indicates that this missense variant is not expected to disrupt APC protein function with a negative predictive value of 95%. In summary, the available evidence is currently insufficient to determine the role of this variant in disease. Therefore, it has been classified as a Variant of Uncertain Significance.

Ambry Genetics
Classification: Uncertain significance for Hereditary cancer-predisposing syndrome. Last evaluated: 2024-03-28. Review status: criteria provided, single submitter. Criteria: Ambry Variant Classification Scheme 2023. Collection method: clinical testing. Allele origin: germline.
Comment: The p.G2545R variant (also known as c.7633G>A), located in coding exon 15 of the APC gene, results from a G to A substitution at nucleotide position 7633. The glycine at codon 2545 is replaced by arginine, an amino acid with dissimilar properties. This amino acid position is highly conserved in available vertebrate species. In addition, in silico predictors for this gene do not accurately predict pathogenicity. Based on the available evidence, the clinical significance of this alteration remains unclear.

Color Diagnostics, LLC DBA Color Health
Classification: Uncertain significance for Hereditary cancer-predisposing syndrome. Last evaluated: 2019-07-09. Review status: criteria provided, single submitter. Criteria: ACMG Guidelines, 2015. Collection method: clinical testing. Allele origin: germline.
Comment: This missense variant replaces glycine with arginine at codon 2545 of the APC protein. Computational prediction tools and conservation analyses suggest that this variant may have deleterious impact on the protein function. Computational splicing tools suggest that this variant may not impact RNA splicing. To our knowledge, functional assays have not been performed for this variant nor has this variant been reported in individuals affected with hereditary cancer in the literature. This variant has not been identified in the general population by the Genome Aggregation Database (gnomAD). Available evidence is insufficient to determine the role of this variant in disease conclusively. Therefore, this variant is classified as a Variant of Uncertain Significance.

NM_000038.6(APC):c.7633G>A (p.Gly2545Arg)

Gene: APC (APC regulator of Wnt signaling pathway; plus strand). Cytogenetic location: 5q22.2.
Variant type: single nucleotide variant.
Coding change: c.7633G>A on transcript NM_000038.6 (MANE Select); coding-DNA position 7633, G replaced by A.
Protein change: p.Gly2545Arg; replaces glycine 2545 with arginine.
Molecular consequence: missense variant.
Genome position (GRCh38, 1-based): chr5:112,843,227, G>A. VCF-style: chr5-112843227-G-A. GRCh37 (hg19) VCF-style: chr5-112178924-G-A.
Other names: c.7633G>A, p.Gly2545Arg (NM_001127510.3, NM_001354895.2); c.7579G>A, p.Gly2527Arg (NM_001127511.3); c.7687G>A, p.Gly2563Arg (NM_001354896.2); c.7663G>A, p.Gly2555Arg (NM_001354897.2); c.7558G>A, p.Gly2520Arg (NM_001354898.2); c.7549G>A, p.Gly2517Arg (NM_001354899.2); c.7510G>A, p.Gly2504Arg (NM_001354900.2); c.7456G>A, p.Gly2486Arg (NM_001354901.2); and 5 more; short protein forms G2454R, G2520R, G2527R, G2545R, G2385R, G2486R, G2504R, G2555R.
Identifiers: ClinVar variation 924804 (VCV000924804.10), dbSNP rs1766528528, ClinGen allele CA16037909.
Genomic context (GRCh38, chr5:112,843,227, plus strand): 5'-CGCCATGATATTGCACGGTCTCATTCTGAAAGTCCTTCTAGACTTCCAATCAATAGGTCA[G>A]GAACCTGGAAACGTGAGCACAGCAAACATTCATCATCCCTTCCTCGAGTAAGCACTTGGA-3'
Protein context (NP_000029.2, residues 2535-2555): SPSRLPINRS[Gly2545Arg]TWKREHSKHS